The following is an entry in ClinVar:

NM_004172.5(SLC1A3):c.1290-15T>C

Genes: SLC1A3 (solute carrier family 1 member 3; plus strand), SLC1A3-AS1 (SLC1A3 antisense RNA 1; minus strand). Cytogenetic location: 5p13.2.
Variant type: single nucleotide variant.
Coding change: c.1290-15T>C on transcript NM_004172.5 (MANE Select); 15 bases into the intron before coding-DNA position 1290, T replaced by C.
Molecular consequence: intron variant.
Genome position (GRCh38, 1-based): chr5:36,683,849, T>C. VCF-style: chr5-36683849-T-C. GRCh37 (hg19) VCF-style: chr5-36683951-T-C.
Other names: c.1290-2216T>C (NM_001166695.3); c.954-15T>C (NM_001289940.2); c.1152-15T>C (NM_001289939.2).
Identifiers: ClinVar variation 1878381 (VCV001878381.1), dbSNP rs2478179875, ClinGen allele CA2580073199.

ClinVar aggregate classification (germline): Uncertain significance (1 of 4 stars; one submission).

Submission:

Women's Health and Genetics/Laboratory Corporation of America, LabCorp
Classification: Uncertain significance. Last evaluated: 2022-12-24. Review status: criteria provided, single submitter. Criteria: LabCorp Variant Classification Summary - May 2015. Collection method: clinical testing. Allele origin: germline.
Comment: Variant summary: SLC1A3 c.1290-15T>C alters a non-conserved nucleotide located close to a canonical splice site and therefore could affect mRNA splicing, leading to a significantly altered protein sequence. 4/4 computational tools predict no significant impact on normal splicing. However, these predictions have yet to be confirmed by functional studies. The variant was absent in 251388 control chromosomes. The available data on variant occurrences in the general population are insufficient to allow any conclusion about variant significance. To our knowledge, no occurrence of c.1290-15T>C in individuals affected with Episodic Ataxia Type 6 and no experimental evidence demonstrating its impact on protein function have been reported. No clinical diagnostic laboratories have submitted clinical-significance assessments for this variant to ClinVar after 2014. Based on the evidence outlined above, the variant was classified as uncertain significance.